The following is an entry in ClinVar:

ClinVar aggregate classification (germline): Likely pathogenic (0 of 4 stars; one submission).

Conditions:
Polydactyly, postaxial, type a10. Identifiers: MedGen C5193129, MONDO:0032785, OMIM 618498.

gnomAD v4.1: 1 of 1,602,142 alleles (0.000062%); highest among the groups gnomAD compares: East Asian, 0.0022%; no homozygotes.

Submission:

Medical Genetics Center, Maternal and Child Health Hospital of Hubei Province
Classification: Likely pathogenic for Polydactyly, postaxial, type a10. Last evaluated: 2026-05-14. Review status: no assertion criteria provided. Collection method: clinical testing. Allele origin: paternal. Affected: yes.
Comment: PVS1_Moderate+PM2_Supporting+PM3+PP4

Literature cited by the submitters: PubMed 35886013.

NM_001145678.3(KIAA0825):c.-1-2A>T

Gene: KIAA0825 (KIAA0825; minus strand). Cytogenetic location: 5q15.
Variant type: single nucleotide variant.
Coding change: c.-1-2A>T on transcript NM_001145678.3 (MANE Select); the canonical splice acceptor site of the intron before 1 bases upstream of the start codon, A replaced by T.
Molecular consequence: splice acceptor variant.
Genome position (GRCh38, 1-based): chr5:94,537,129, T>A on the plus strand (A>T on the coding strand, the complement: KIAA0825 is on the minus strand). VCF-style: chr5-94537129-T-A. GRCh37 (hg19) VCF-style: chr5-93872834-T-A.
Other names: c.-1-2A>T (NM_001385716.1, NM_001385728.1, NM_001385722.1 and 13 more transcripts); c.-246-2A>T (NM_001385724.1).
Identifiers: ClinVar variation 4852523 (VCV004852523.1).
Genomic context (GRCh38, chr5:94,537,129, plus strand): 5'-AGTTTAACAAACAATGTAGGTCAAAAGAATTATGAGAATATTCATCATCCCAATCCATTC[T>A]GAGGAGCAAGAATAAATAATAAAACATGTCAGTTCCCCCACAATGGCCAGGGATAGGGGT-3'